The following is an entry in ClinVar:

NM_133259.4(LRPPRC):c.2005G>C (p.Glu669Gln)

Gene: LRPPRC (leucine rich pentatricopeptide repeat containing; minus strand). Cytogenetic location: 2p21.
Variant type: single nucleotide variant.
Coding change: c.2005G>C on transcript NM_133259.4 (MANE Select); coding-DNA position 2005, G replaced by C.
Protein change: p.Glu669Gln; replaces glutamic acid 669 with glutamine.
Molecular consequence: missense variant.
Genome position (GRCh38, 1-based): chr2:43,947,331, C>G on the plus strand (G>C on the coding strand, the complement: LRPPRC is on the minus strand). VCF-style: chr2-43947331-C-G. GRCh37 (hg19) VCF-style: chr2-44174470-C-G.
Other names: short protein forms E669Q.
Identifiers: ClinVar variation 2860637 (VCV002860637.3), dbSNP rs776195859, ClinGen allele CA346675082.

ClinVar aggregate classification (germline): Uncertain significance (1 of 4 stars; one submission).

Submission:

Labcorp Genetics (formerly Invitae), Labcorp
Classification: Uncertain significance. Last evaluated: 2026-01-05. Review status: criteria provided, single submitter. Criteria: Invitae Variant Classification Sherloc (09022015). Collection method: clinical testing. Allele origin: germline.
Comment: This sequence change replaces glutamic acid, which is acidic and polar, with glutamine, which is neutral and polar, at codon 669 of the LRPPRC protein (p.Glu669Gln). This variant is not present in population databases (gnomAD no frequency). This variant has not been reported in the literature in individuals affected with LRPPRC-related conditions. ClinVar contains an entry for this variant (Variation ID: 2860637). Invitae Evidence Modeling of protein sequence and biophysical properties (such as structural, functional, and spatial information, amino acid conservation, physicochemical variation, residue mobility, and thermodynamic stability) indicates that this missense variant is not expected to disrupt LRPPRC protein function with a negative predictive value of 80%. In summary, the available evidence is currently insufficient to determine the role of this variant in disease. Therefore, it has been classified as a Variant of Uncertain Significance.